The following is an entry in ClinVar:

NM_018417.6(ADCY10):c.3349A>T (p.Thr1117Ser)

Gene: ADCY10 (adenylate cyclase 10; minus strand). Cytogenetic location: 1q24.2.
Variant type: single nucleotide variant.
Coding change: c.3349A>T on transcript NM_018417.6 (MANE Select); coding-DNA position 3349, A replaced by T.
Protein change: p.Thr1117Ser; replaces threonine 1117 with serine.
Molecular consequence: missense variant.
Genome position (GRCh38, 1-based): chr1:167,834,038, T>A on the plus strand (A>T on the coding strand, the complement: ADCY10 is on the minus strand). VCF-style: chr1-167834038-T-A. GRCh37 (hg19) VCF-style: chr1-167803276-T-A.
Other names: c.2890A>T, p.Thr964Ser (NM_001167749.3); c.3073A>T, p.Thr1025Ser (NM_001297772.2); short protein forms T964S, T1025S, T1117S.
Identifiers: ClinVar variation 2461270 (VCV002461270.5), dbSNP rs189400818, ClinGen allele CA1227377.

ClinVar aggregate classification (germline): Uncertain significance. Review status: criteria provided, multiple submitters, no conflicts (2 of 4 stars). 2 submissions from 2 submitters: Uncertain significance (2). Last evaluated 2023-01-24.

Allele frequency attached by ClinVar (database versions not stated): gnomAD 0.00001; gnomAD exomes 0.00001; ExAC 0.00002; 1000 Genomes Project 30x 0.00016; 1000 Genomes Project 0.00020.
gnomAD v4.1: 23 of 1,613,894 alleles (0.0014%); highest among the groups gnomAD compares: Non-Finnish European, 0.0019%; no homozygotes.

Submissions (2):

Ambry Genetics
Classification: Uncertain significance. Last evaluated: 2023-01-24. Review status: criteria provided, single submitter. Criteria: Ambry Variant Classification Scheme 2023. Collection method: clinical testing. Allele origin: germline.

Labcorp Genetics (formerly Invitae), Labcorp
Classification: Uncertain significance. Last evaluated: 2022-12-03. Review status: criteria provided, single submitter. Criteria: Invitae Variant Classification Sherloc (09022015). Collection method: clinical testing. Allele origin: germline.
Comment: This variant has not been reported in the literature in individuals affected with ADCY10-related conditions. This sequence change replaces threonine, which is neutral and polar, with serine, which is neutral and polar, at codon 1117 of the ADCY10 protein (p.Thr1117Ser). This variant is present in population databases (rs189400818, gnomAD 0.004%). Algorithms developed to predict the effect of missense changes on protein structure and function output the following: SIFT: "Tolerated"; PolyPhen-2: "Benign"; Align-GVGD: "Class C0". The serine amino acid residue is found in multiple mammalian species, which suggests that this missense change does not adversely affect protein function. In summary, the available evidence is currently insufficient to determine the role of this variant in disease. Therefore, it has been classified as a Variant of Uncertain Significance.